The following is an entry in ClinVar:

ClinVar aggregate classification (germline): Uncertain significance (1 of 4 stars; one submission).

Submission:

Labcorp Genetics (formerly Invitae), Labcorp
Classification: Uncertain significance. Last evaluated: 2022-11-22. Review status: criteria provided, single submitter. Criteria: Invitae Variant Classification Sherloc (09022015). Collection method: clinical testing. Allele origin: germline.
Comment: Algorithms developed to predict the effect of missense changes on protein structure and function (SIFT, PolyPhen-2, Align-GVGD) all suggest that this variant is likely to be tolerated. ClinVar contains an entry for this variant (Variation ID: 1522714). This variant has not been reported in the literature in individuals affected with IFNAR1-related conditions. This variant is not present in population databases (gnomAD no frequency). This sequence change replaces valine, which is neutral and non-polar, with leucine, which is neutral and non-polar, at codon 404 of the IFNAR1 protein (p.Val404Leu). In summary, the available evidence is currently insufficient to determine the role of this variant in disease. Therefore, it has been classified as a Variant of Uncertain Significance.

NM_000629.3(IFNAR1):c.1210G>T (p.Val404Leu)

Gene: IFNAR1 (interferon alpha and beta receptor subunit 1; plus strand). Cytogenetic location: 21q22.11.
Variant type: single nucleotide variant.
Coding change: c.1210G>T on transcript NM_000629.3 (MANE Select); coding-DNA position 1210, G replaced by T.
Protein change: p.Val404Leu; replaces valine 404 with leucine.
Molecular consequence: missense variant.
Genome position (GRCh38, 1-based): chr21:33,352,824, G>T. VCF-style: chr21-33352824-G-T. GRCh37 (hg19) VCF-style: chr21-34725130-G-T.
Other names: c.1210G>T, p.Val404Leu (NM_001384498.1, NM_001384499.1, NM_001384503.1); c.448G>T, p.Val150Leu (NM_001384500.1); c.1195G>T, p.Val399Leu (NM_001384501.1); c.748G>T, p.Val250Leu (NM_001384502.1); c.1003G>T, p.Val335Leu (NM_001384504.1); short protein forms V335L, V150L, V399L, V404L, V250L.
Identifiers: ClinVar variation 1522714 (VCV001522714.6), dbSNP rs1379323790, ClinGen allele CA410109735.